The following is an entry in ClinVar:

NM_001843.4(CNTN1):c.1743C>T (p.Tyr581=)

Gene: CNTN1 (contactin 1; plus strand). Cytogenetic location: 12q12.
Variant type: single nucleotide variant.
Coding change: c.1743C>T on transcript NM_001843.4 (MANE Select); coding-DNA position 1743, C replaced by T.
Protein change: p.Tyr581=; no amino-acid change (tyrosine 581 retained).
Molecular consequence: synonymous variant.
Genome position (GRCh38, 1-based): chr12:40,959,173, C>T. VCF-style: chr12-40959173-C-T. GRCh37 (hg19) VCF-style: chr12-41352975-C-T.
Other names: c.1743C>T, p.Tyr581= (NM_001256063.2, NM_001256064.2); c.1710C>T, p.Tyr570= (NM_175038.2).
Identifiers: ClinVar variation 3353070 (VCV003353070.1).

ClinVar aggregate classification (germline): Likely benign (0 of 4 stars; one submission).

Conditions:
CNTN1-related disorder. Also called: CNTN1-related condition.

gnomAD v4.1: 10 of 1,612,774 alleles (0.00062%); highest among the groups gnomAD compares: South Asian, 0.0099%; no homozygotes.

Submission:

PreventionGenetics, part of Exact Sciences
Classification: Likely benign for CNTN1-related condition. Last evaluated: 2024-08-26. Review status: no assertion criteria provided. Collection method: clinical testing. Allele origin: germline.
Comment: This variant is classified as likely benign based on ACMG/AMP sequence variant interpretation guidelines (Richards et al. 2015 PMID: 25741868, with internal and published modifications).